The following is an entry in ClinVar:

ClinVar aggregate classification (germline): Uncertain significance (1 of 4 stars; one submission).

Submission:

Labcorp Genetics (formerly Invitae), Labcorp
Classification: Uncertain significance. Last evaluated: 2024-06-12. Review status: criteria provided, single submitter. Criteria: Invitae Variant Classification Sherloc (09022015). Collection method: clinical testing. Allele origin: germline.
Comment: This sequence change replaces leucine, which is neutral and non-polar, with phenylalanine, which is neutral and non-polar, at codon 153 of the ITM2B protein (p.Leu153Phe). This variant is not present in population databases (gnomAD no frequency). This variant has not been reported in the literature in individuals affected with ITM2B-related conditions. Advanced modeling of protein sequence and biophysical properties (such as structural, functional, and spatial information, amino acid conservation, physicochemical variation, residue mobility, and thermodynamic stability) performed at Invitae indicates that this missense variant is not expected to disrupt ITM2B protein function with a negative predictive value of 80%. In summary, the available evidence is currently insufficient to determine the role of this variant in disease. Therefore, it has been classified as a Variant of Uncertain Significance.

NM_021999.5(ITM2B):c.457C>T (p.Leu153Phe)

Gene: ITM2B (integral membrane protein 2B; plus strand). Cytogenetic location: 13q14.2.
Variant type: single nucleotide variant.
Coding change: c.457C>T on transcript NM_021999.5 (MANE Select); coding-DNA position 457, C replaced by T.
Protein change: p.Leu153Phe; replaces leucine 153 with phenylalanine.
Molecular consequence: missense variant.
Genome position (GRCh38, 1-based): chr13:48,258,129, C>T. VCF-style: chr13-48258129-C-T. GRCh37 (hg19) VCF-style: chr13-48832265-C-T.
Other names: short protein forms L153F.
Identifiers: ClinVar variation 3656446 (VCV003656446.2).